The following is an entry in ClinVar:

ClinVar aggregate classification (germline): Likely benign (0 of 4 stars; one submission).

Conditions:
ADIPOQ-related disorder. Also called: ADIPOQ-related condition.

Submission:

PreventionGenetics, part of Exact Sciences
Classification: Likely benign for ADIPOQ-related condition. Last evaluated: 2022-03-31. Review status: no assertion criteria provided. Collection method: clinical testing. Allele origin: germline.
Comment: This variant is classified as likely benign based on ACMG/AMP sequence variant interpretation guidelines (Richards et al. 2015 PMID: 25741868, with internal and published modifications).

NM_004797.4(ADIPOQ):c.288A>T (p.Gly96=)

Genes: ADIPOQ (adiponectin, C1Q and collagen domain containing; plus strand), ADIPOQ-AS1 (ADIPOQ antisense RNA 1; minus strand). Cytogenetic location: 3q27.3.
Variant type: single nucleotide variant.
Coding change: c.288A>T on transcript NM_004797.4 (MANE Select); coding-DNA position 288, A replaced by T.
Protein change: p.Gly96=; no amino-acid change (glycine 96 retained).
Molecular consequence: synonymous variant. On other transcripts: non-coding transcript variant (1).
Genome position (GRCh38, 1-based): chr3:186,854,257, A>T. VCF-style: chr3-186854257-A-T. GRCh37 (hg19) VCF-style: chr3-186572046-A-T.
Other names: c.288A>T, p.Gly96= (NM_001177800.2).
Identifiers: ClinVar variation 3046117 (VCV003046117.2), dbSNP rs2474068763, ClinGen allele CA437404607.
Genomic context (GRCh38, chr3:186,854,257, plus strand): 5'-TAAGGGAGACATCGGTGAAACCGGAGTACCCGGGGCTGAAGGTCCCCGAGGCTTTCCGGG[A>T]ATCCAAGGCAGGAAAGGAGAACCTGGAGAAGGTGCCTATGTATACCGCTCAGCATTCAGT-3'
Protein context (NP_004788.1, residues 86-106): PGAEGPRGFP[Gly96=]IQGRKGEPGE